The following is an entry in ClinVar:

ClinVar aggregate classification (germline): Benign/Likely benign. Review status: criteria provided, multiple submitters, no conflicts (2 of 4 stars). 4 submissions from 4 submitters: Benign (1); Likely benign (2). 1 of the submissions does not count toward it. Last evaluated 2026-05-20.

Conditions:
Neurofibromatosis, type 1 (NF1). Also called: Peripheral type neurofibromatosis; NEUROFIBROMATOSIS, TYPE I, SOMATIC; VON RECKLINGHAUSEN DISEASE; Neurofibromatosis, type I. Identifiers: Orphanet 636, MedGen C0027831, MONDO:0018975, OMIM 162200. Disease mechanism: loss of function.
NF1-related disorder. Also called: NF1-related condition. Identifiers: MedGen CN379171.
Cardiovascular phenotype. Identifiers: MedGen CN230736.
Hereditary cancer-predisposing syndrome. Also called: Neoplastic Syndromes, Hereditary; Tumor predisposition; Hereditary Cancer Syndrome; Hereditary neoplastic syndrome. Identifiers: Orphanet 140162, MedGen C0027672, MeSH D009386, MONDO:0015356.

Allele frequency attached by ClinVar (database versions not stated): TOPMed below 0.00001.

Submissions (4):

Myriad Genetics, Inc.
Classification: Benign for Neurofibromatosis, type 1. Last evaluated: 2026-05-20. Review status: criteria provided, single submitter. Criteria: Myriad Autosomal Dominant, Autosomal Recessive and X-Linked Classification Criteria (2023). Collection method: clinical testing. Allele origin: unknown.
Comment: This variant is considered benign. This variant is a silent/synonymous amino acid change and it is not expected to impact splicing.

Labcorp Genetics (formerly Invitae), Labcorp
Classification: Likely benign for Neurofibromatosis, type 1. Last evaluated: 2024-02-16. Review status: criteria provided, single submitter. Criteria: Invitae Variant Classification Sherloc (09022015). Collection method: clinical testing. Allele origin: germline.

Ambry Genetics
Classification: Likely benign for Cardiovascular phenotype; Hereditary cancer-predisposing syndrome. Last evaluated: 2020-09-17. Review status: criteria provided, single submitter. Criteria: Ambry Variant Classification Scheme 2023. Collection method: clinical testing. Allele origin: germline.

PreventionGenetics, part of Exact Sciences
Classification: Likely benign for NF1-related condition. Last evaluated: 2020-10-05. Review status: no assertion criteria provided. Collection method: clinical testing. Allele origin: germline. Not counted in ClinVar's aggregate classification.
Comment: This variant is classified as likely benign based on ACMG/AMP sequence variant interpretation guidelines (Richards et al. 2015 PMID: 25741868, with internal and published modifications).

NM_001042492.3(NF1):c.3084C>T (p.Asp1028=)

Gene: NF1 (neurofibromin 1; plus strand). Cytogenetic location: 17q11.2.
Variant type: single nucleotide variant.
Coding change: c.3084C>T on transcript NM_001042492.3 (MANE Select); coding-DNA position 3084, C replaced by T.
Protein change: p.Asp1028=; no amino-acid change (aspartic acid 1028 retained).
Molecular consequence: synonymous variant.
Genome position (GRCh38, 1-based): chr17:31,230,353, C>T. VCF-style: chr17-31230353-C-T. GRCh37 (hg19) VCF-style: chr17-29557371-C-T.
Other names: c.3084C>T, p.Asp1028= (NM_000267.4).
Identifiers: ClinVar variation 1085865 (VCV001085865.12), dbSNP rs1235103530, ClinGen allele CA499231995.